The following is an entry in ClinVar:

NM_177438.3(DICER1):c.2035A>G (p.Ile679Val)

Gene: DICER1 (dicer 1, ribonuclease III; minus strand). Cytogenetic location: 14q32.13.
Variant type: single nucleotide variant.
Coding change: c.2035A>G on transcript NM_177438.3 (MANE Select); coding-DNA position 2035, A replaced by G.
Protein change: p.Ile679Val; replaces isoleucine 679 with valine.
Molecular consequence: missense variant.
Genome position (GRCh38, 1-based): chr14:95,113,097, T>C on the plus strand (A>G on the coding strand, the complement: DICER1 is on the minus strand). VCF-style: chr14-95113097-T-C. GRCh37 (hg19) VCF-style: chr14-95579434-T-C.
Other names: c.2035A>G, p.Ile679Val (NM_001195573.1, NM_001271282.3, NM_001291628.2 and 1 more transcripts); short protein forms I679V.
Identifiers: ClinVar variation 659446 (VCV000659446.16), dbSNP rs1224940599, ClinGen allele CA390883167.
Genomic context (GRCh38, chr14:95,113,097, plus strand): 5'-AATCCACTAATGACACATTTTAAAAGATAACAATCATTTCTTCTTCTAAACTTACAACAA[T>C]GGAGGCTCGAAGAGGTGAGTTAATTGGCAGATAAAGAGTTGAATAAAATGTACCATCAGG-3'
Protein context (NP_803187.1, residues 669-689): LPINSPLRAS[Ile679Val]VGPPMSCVRL

ClinVar aggregate classification (germline): Uncertain significance. Review status: criteria provided, multiple submitters, no conflicts (2 of 4 stars). 6 submissions from 6 submitters: Uncertain significance (6). Last evaluated 2025-03-04.

Conditions:
Rhabdomyosarcoma, embryonal, 2 (RMSE2). Identifiers: MedGen C1867234, MONDO:0859046, OMIM 180295.
Pleuropulmonary blastoma (PPB). Identifiers: Orphanet 64742, MedGen C1266144, MONDO:0011014, OMIM 601200, HP:0100528.
Euthyroid goiter (MNG1). Also called: SIMPLE GOITER; Goiter, multinodular 1, with or without Sertoli-Leydig cell tumors; GOITER, NONTOXIC, WITH INTRATHYROIDAL CALCIFICATION; MULTINODULAR GOITER, ADOLESCENT. Identifiers: Orphanet 276399, MedGen C0302859, MONDO:0007681, OMIM 138800, HP:0009798.
Global developmental delay - lung cysts - overgrowth - Wilms tumor syndrome. Also called: GLOBAL DEVELOPMENTAL DELAY, LUNG CYSTS, OVERGROWTH, AND WILMS TUMOR; GLOW Syndrome. Identifiers: Orphanet 404476, MedGen C4748924, MONDO:0018445, OMIM 618272.
DICER1-related tumor predisposition. Also called: DICER1 syndrome; DICER1-related pleuropulmonary blastoma cancer predisposition syndrome. Identifiers: Orphanet 284343, MedGen C3839822, MONDO:0100216.
Hereditary cancer-predisposing syndrome. Also called: Neoplastic Syndromes, Hereditary; Hereditary neoplastic syndrome; Hereditary Cancer Syndrome; Tumor predisposition. Identifiers: Orphanet 140162, MedGen C0027672, MeSH D009386, MONDO:0015356.

Allele frequency attached by ClinVar (database versions not stated): gnomAD exomes below 0.00001.
gnomAD v4.1: 3 of 1,613,648 alleles (0.00019%); highest among the groups gnomAD compares: Non-Finnish European, 0.00025%; no homozygotes.

Submissions (6):

Center for Genomic Medicine, Rigshospitalet, Copenhagen University Hospital
Classification: Uncertain significance. Last evaluated: 2025-03-04. Review status: criteria provided, single submitter. Criteria: ACMG Guidelines, 2015. Collection method: clinical testing. Allele origin: germline.

Quest Diagnostics Nichols Institute San Juan Capistrano
Classification: Uncertain significance. Last evaluated: 2025-02-14. Review status: criteria provided, single submitter. Criteria: Quest Diagnostics criteria. Collection method: clinical testing. Allele origin: unknown.
Comment: The DICER1 c.2035A>G (p.Ile679Val) variant has not been reported in individuals with DICER1-related conditions in the published literature. The frequency of this variant in the general population (Genome Aggregation Database) is uninformative in the assessment of its pathogenicity. Analysis of this variant using bioinformatics tools for the prediction of the effect of amino acid changes on protein structure and function yielded predictions that this variant is benign. Based on the available information, we are unable to determine the clinical significance of this variant.

Labcorp Genetics (formerly Invitae), Labcorp
Classification: Uncertain significance for DICER1-related tumor predisposition. Last evaluated: 2024-12-22. Review status: criteria provided, single submitter. Criteria: Invitae Variant Classification Sherloc (09022015). Collection method: clinical testing. Allele origin: germline.
Comment: This sequence change replaces isoleucine, which is neutral and non-polar, with valine, which is neutral and non-polar, at codon 679 of the DICER1 protein (p.Ile679Val). This variant is present in population databases (no rsID available, gnomAD 0.0009%). This variant has not been reported in the literature in individuals affected with DICER1-related conditions. ClinVar contains an entry for this variant (Variation ID: 659446). Invitae Evidence Modeling of protein sequence and biophysical properties (such as structural, functional, and spatial information, amino acid conservation, physicochemical variation, residue mobility, and thermodynamic stability) indicates that this missense variant is not expected to disrupt DICER1 protein function with a negative predictive value of 95%. In summary, the available evidence is currently insufficient to determine the role of this variant in disease. Therefore, it has been classified as a Variant of Uncertain Significance.

Ambry Genetics
Classification: Uncertain significance for Hereditary cancer-predisposing syndrome. Last evaluated: 2024-10-05. Review status: criteria provided, single submitter. Criteria: Ambry Variant Classification Scheme 2023. Collection method: clinical testing. Allele origin: germline.
Comment: The p.I679V variant (also known as c.2035A>G), located in coding exon 11 of the DICER1 gene, results from an A to G substitution at nucleotide position 2035. The isoleucine at codon 679 is replaced by valine, an amino acid with highly similar properties. This amino acid position is well conserved in available vertebrate species. In addition, this alteration is predicted to be tolerated by in silico analysis. Since supporting evidence is limited at this time, the clinical significance of this alteration remains unclear.

Fulgent Genetics
Classification: Uncertain significance for Euthyroid goiter; Rhabdomyosarcoma, embryonal, 2; Pleuropulmonary blastoma; Global developmental delay - lung cysts - overgrowth - Wilms tumor syndrome. Last evaluated: 2024-02-29. Review status: criteria provided, single submitter. Criteria: ACMG Guidelines, 2015. Collection method: clinical testing. Allele origin: germline.

Sema4
Classification: Uncertain significance for Hereditary cancer-predisposing syndrome. Last evaluated: 2022-02-10. Review status: criteria provided, single submitter. Criteria: Sema4 Curation Guidelines. Collection method: curation. Allele origin: germline.
Comment: To the best of our knowledge, the DICER1 c.2035A>G (p.I679V) variant has not been reported in individuals with DICER1-related disease. It was observed in 1/113658 chromosomes of the Non-Finnish European subpopulation in the large and broad cohorts of the Genome Aggregation Database (PMID: 32461654). The variant has been reported in ClinVar (Variation ID 659446). In silico tools suggest the impact of the variant on protein function is benign though these predictions have not been confirmed by functional studies. The evidence is insufficient to meet ACMG/AMP criteria for classifying the variant as benign or pathogenic. Thus, the clinical significance of this variant is currently uncertain.